The following is an entry in ClinVar:

ClinVar aggregate classification (germline): Uncertain significance (1 of 4 stars; one submission).

Conditions:
Inborn genetic diseases. Identifiers: MedGen C0950123, MeSH D030342.

Allele frequency attached by ClinVar (database versions not stated): 1000 Genomes Project 30x 0.00016; 1000 Genomes Project 0.00020; ESP Exome Variant Server 0.00031; gnomAD 0.00035; TOPMed 0.00035.
gnomAD v4.1: 92 of 1,613,176 alleles (0.0057%); highest among the groups gnomAD compares: African/African-American, 0.11%; no homozygotes.

Submission:

Ambry Genetics
Classification: Uncertain significance for Inborn genetic diseases. Last evaluated: 2020-11-06. Review status: criteria provided, single submitter. Criteria: Ambry Variant Classification Scheme 2023. Collection method: clinical testing. Allele origin: germline.
Comment: The c.493C>G (p.P165A) alteration is located in exon 3 (coding exon 3) of the EIF3F gene. This alteration results from a C to G substitution at nucleotide position 493, causing the proline (P) at amino acid position 165 to be replaced by an alanine (A). Based on data from the Genome Aggregation Database (gnomAD) database, the EIF3F c.493C>G alteration was observed in 0.01% (30/281938) of total alleles studied, with a frequency of 0.11% (27/24942) in the African subpopulation. This amino acid position is highly conserved in available vertebrate species. The p.P165A alteration is predicted to be tolerated by in silico analysis. Based on insufficient or conflicting evidence, the clinical significance of this alteration remains unclear.

NM_003754.3(EIF3F):c.493C>G (p.Pro165Ala)

Gene: EIF3F (eukaryotic translation initiation factor 3 subunit F; plus strand). Cytogenetic location: 11p15.4.
Variant type: single nucleotide variant.
Coding change: c.493C>G on transcript NM_003754.3 (MANE Select); coding-DNA position 493, C replaced by G.
Protein change: p.Pro165Ala; replaces proline 165 with alanine.
Molecular consequence: missense variant.
Genome position (GRCh38, 1-based): chr11:7,992,141, C>G. VCF-style: chr11-7992141-C-G. GRCh37 (hg19) VCF-style: chr11-8013688-C-G.
Other names: short protein forms P165A.
Identifiers: ClinVar variation 2347550 (VCV002347550.2), dbSNP rs61734577, ClinGen allele CA5870542.
Genomic context (GRCh38, chr11:7,992,141, plus strand): 5'-TAGGTGGCTGTTGACATGGAATTTGCTAAGAATATGTATGAACTGCATAAAAAAGTTTCT[C>G]CAAATGAGCTCATCCTGGGCTGGTAAGTTGGGGAGGTGGGGGCTGGGGTTAATGGAAGGT-3'
Protein context (NP_003745.1, residues 155-175): NMYELHKKVS[Pro165Ala]NELILGWYAT